The following is an entry in ClinVar:

NM_001377229.1(DISP1):c.1455C>T (p.Thr485=)

Gene: DISP1 (dispatched RND transporter family member 1; plus strand). Cytogenetic location: 1q41.
Variant type: single nucleotide variant.
Coding change: c.1455C>T on transcript NM_001377229.1 (MANE Select); coding-DNA position 1455, C replaced by T.
Protein change: p.Thr485=; no amino-acid change (threonine 485 retained).
Molecular consequence: synonymous variant.
Genome position (GRCh38, 1-based): chr1:223,002,852, C>T. VCF-style: chr1-223002852-C-T. GRCh37 (hg19) VCF-style: chr1-223176194-C-T.
Other names: c.726C>T, p.Thr242= (NM_001350630.2); c.1455C>T, p.Thr485= (NM_001369594.1, NM_001377228.1, NM_032890.5).
Identifiers: ClinVar variation 2192132 (VCV002192132.8), dbSNP rs769827053, ClinGen allele CA1409075.

ClinVar aggregate classification (germline): Likely benign. Review status: criteria provided, multiple submitters, no conflicts (2 of 4 stars). 2 submissions from 2 submitters: Likely benign (2). Last evaluated 2026-01-01.

Allele frequency attached by ClinVar (database versions not stated): gnomAD 0.00001; ExAC 0.00002; TOPMed 0.00003; gnomAD exomes 0.00005.
gnomAD v4.1: 70 of 1,613,756 alleles (0.0043%); highest among the groups gnomAD compares: East Asian, 0.013%; no homozygotes.

Submissions (2):

CeGaT Center for Human Genetics Tuebingen
Classification: Likely benign. Last evaluated: 2026-01-01. Review status: criteria provided, single submitter. Criteria: CeGaT Center For Human Genetics Tuebingen Variant Classification Criteria Version 2. Collection method: clinical testing. Allele origin: germline. Affected: yes. Observed: 1 variant allele.
Comment: DISP1: BP4, BP7

Labcorp Genetics (formerly Invitae), Labcorp
Classification: Likely benign. Last evaluated: 2022-06-21. Review status: criteria provided, single submitter. Criteria: Invitae Variant Classification Sherloc (09022015). Collection method: clinical testing. Allele origin: germline.